The following is an entry in ClinVar:

ClinVar aggregate classification (germline): Uncertain significance (1 of 4 stars; one submission).

Allele frequency attached by ClinVar (database versions not stated): gnomAD 0.00002.
gnomAD v4.1: 18 of 1,614,022 alleles (0.0011%); highest among the groups gnomAD compares: Non-Finnish European, 0.0015%; no homozygotes.

Submission:

Labcorp Genetics (formerly Invitae), Labcorp
Classification: Uncertain significance. Last evaluated: 2025-08-15. Review status: criteria provided, single submitter. Criteria: Invitae Variant Classification Sherloc (09022015). Collection method: clinical testing. Allele origin: germline.
Comment: This sequence change replaces aspartic acid, which is acidic and polar, with glutamic acid, which is acidic and polar, at codon 1332 of the MTOR protein (p.Asp1332Glu). This variant is present in population databases (rs779700417, gnomAD 0.002%). This variant has not been reported in the literature in individuals affected with MTOR-related conditions. ClinVar contains an entry for this variant (Variation ID: 1904870). Invitae Evidence Modeling of protein sequence and biophysical properties (such as structural, functional, and spatial information, amino acid conservation, physicochemical variation, residue mobility, and thermodynamic stability) indicates that this missense variant is not expected to disrupt MTOR protein function with a negative predictive value of 95%. In summary, the available evidence is currently insufficient to determine the role of this variant in disease. Therefore, it has been classified as a Variant of Uncertain Significance.

NM_004958.4(MTOR):c.3996T>A (p.Asp1332Glu)

Gene: MTOR (mechanistic target of rapamycin kinase; minus strand). Cytogenetic location: 1p36.22.
Variant type: single nucleotide variant.
Coding change: c.3996T>A on transcript NM_004958.4 (MANE Select); coding-DNA position 3996, T replaced by A.
Protein change: p.Asp1332Glu; replaces aspartic acid 1332 with glutamic acid.
Molecular consequence: missense variant.
Genome position (GRCh38, 1-based): chr1:11,199,652, A>T on the plus strand (T>A on the coding strand, the complement: MTOR is on the minus strand). VCF-style: chr1-11199652-A-T. GRCh37 (hg19) VCF-style: chr1-11259709-A-T.
Other names: c.3996T>A, p.Asp1332Glu (NM_001386500.1); c.2748T>A, p.Asp916Glu (NM_001386501.1); short protein forms D916E, D1332E.
Identifiers: ClinVar variation 1904870 (VCV001904870.4), dbSNP rs779700417, ClinGen allele CA17942845.